The following is an entry in ClinVar:

NM_002439.5(MSH3):c.2038A>G (p.Ser680Gly)

Gene: MSH3 (mutS homolog 3; plus strand). Cytogenetic location: 5q14.1.
Variant type: single nucleotide variant.
Coding change: c.2038A>G on transcript NM_002439.5 (MANE Select); coding-DNA position 2038, A replaced by G.
Protein change: p.Ser680Gly; replaces serine 680 with glycine.
Molecular consequence: missense variant.
Genome position (GRCh38, 1-based): chr5:80,768,074, A>G. VCF-style: chr5-80768074-A-G. GRCh37 (hg19) VCF-style: chr5-80063893-A-G.
Other names: short protein forms S680G.
Identifiers: ClinVar variation 1784842 (VCV001784842.2), dbSNP rs2546773692, ClinGen allele CA360277844.

ClinVar aggregate classification (germline): Uncertain significance (1 of 4 stars; one submission).

Conditions:
Hereditary cancer-predisposing syndrome. Also called: Neoplastic Syndromes, Hereditary; Tumor predisposition; Hereditary Cancer Syndrome; Hereditary neoplastic syndrome. Identifiers: Orphanet 140162, MedGen C0027672, MeSH D009386, MONDO:0015356.

Submission:

Ambry Genetics
Classification: Uncertain significance for Hereditary cancer-predisposing syndrome. Last evaluated: 2022-01-13. Review status: criteria provided, single submitter. Criteria: Ambry Variant Classification Scheme 2023. Collection method: clinical testing. Allele origin: germline.
Comment: The p.S680G variant (also known as c.2038A>G), located in coding exon 14 of the MSH3 gene, results from an A to G substitution at nucleotide position 2038. The serine at codon 680 is replaced by glycine, an amino acid with similar properties. This amino acid position is conserved. In addition, this alteration is predicted to be tolerated by in silico analysis. Since supporting evidence is limited at this time, the clinical significance of this alteration remains unclear.